The following is an entry in ClinVar:

ClinVar aggregate classification (germline): Uncertain significance (1 of 4 stars; one submission).

Conditions:
LAMA5-related disorder. Also called: LAMA5-related condition; LAMA5-Related Disorders.

Submission:

PreventionGenetics, part of Exact Sciences
Classification: Uncertain significance for LAMA5-related condition. Last evaluated: 2023-01-20. Review status: criteria provided, single submitter. Criteria: ACMG Guidelines, 2015. Collection method: clinical testing. Allele origin: germline.
Comment: The LAMA5 c.613G>C variant is predicted to result in the amino acid substitution p.Glu205Gln. To our knowledge, this variant has not been reported in the literature or in a large population database, indicating this variant is rare. At this time, the clinical significance of this variant is uncertain due to the absence of conclusive functional and genetic evidence.

NM_005560.6(LAMA5):c.613G>C (p.Glu205Gln)

Gene: LAMA5 (laminin subunit alpha 5; minus strand). Cytogenetic location: 20q13.33.
Variant type: single nucleotide variant.
Coding change: c.613G>C on transcript NM_005560.6 (MANE Select); coding-DNA position 613, G replaced by C.
Protein change: p.Glu205Gln; replaces glutamic acid 205 with glutamine.
Molecular consequence: missense variant.
Genome position (GRCh38, 1-based): chr20:62,352,316, C>G on the plus strand (G>C on the coding strand, the complement: LAMA5 is on the minus strand). VCF-style: chr20-62352316-C-G. GRCh37 (hg19) VCF-style: chr20-60927372-C-G.
Other names: short protein forms E205Q.
Identifiers: ClinVar variation 2629843 (VCV002629843.1), dbSNP rs1464486337, ClinGen allele CA409530387.